The following is an entry in ClinVar:

NM_024334.3(TMEM43):c.14A>G (p.Tyr5Cys)

Gene: TMEM43 (transmembrane protein 43; plus strand). Cytogenetic location: 3p25.1.
Variant type: single nucleotide variant.
Coding change: c.14A>G on transcript NM_024334.3 (MANE Select); coding-DNA position 14, A replaced by G.
Protein change: p.Tyr5Cys; replaces tyrosine 5 with cysteine.
Molecular consequence: missense variant.
Genome position (GRCh38, 1-based): chr3:14,129,413, A>G. VCF-style: chr3-14129413-A-G. GRCh37 (hg19) VCF-style: chr3-14170913-A-G.
Other names: c.14A>G, p.Tyr5Cys (NM_001407274.1, NM_001407275.1, NM_001407276.1 and 3 more transcripts); short protein forms Y5C.
Identifiers: ClinVar variation 1773972 (VCV001773972.7), dbSNP rs753209951, ClinGen allele CA051888.

ClinVar aggregate classification (germline): Uncertain significance. Review status: criteria provided, multiple submitters, no conflicts (2 of 4 stars). 2 submissions from 2 submitters: Uncertain significance (2). Last evaluated 2022-08-28.

Conditions:
Cardiovascular phenotype. Identifiers: MedGen CN230736.
Arrhythmogenic right ventricular dysplasia 5. Also called: Arrhythmogenic Right Ventricular Dysplasia/Cardiomyopathy 5; ARRHYTHMOGENIC RIGHT VENTRICULAR DYSPLASIA, FAMILIAL, 5. Identifiers: MedGen C1858379, MONDO:0011459, OMIM 604400.

Allele frequency attached by ClinVar (database versions not stated): gnomAD exomes below 0.00001; ExAC 0.00001; gnomAD 0.00001.
gnomAD v4.1: 2 of 1,610,712 alleles (0.00012%); highest among the groups gnomAD compares: Non-Finnish European, 0.000085%; no homozygotes.

Submissions (2):

Labcorp Genetics (formerly Invitae), Labcorp
Classification: Uncertain significance for Arrhythmogenic right ventricular dysplasia 5. Last evaluated: 2022-08-28. Review status: criteria provided, single submitter. Criteria: Invitae Variant Classification Sherloc (09022015). Collection method: clinical testing. Allele origin: germline.
Comment: In summary, the available evidence is currently insufficient to determine the role of this variant in disease. Therefore, it has been classified as a Variant of Uncertain Significance. Algorithms developed to predict the effect of missense changes on protein structure and function are either unavailable or do not agree on the potential impact of this missense change (SIFT: "Deleterious"; PolyPhen-2: "Possibly Damaging"; Align-GVGD: "Class C0"). This variant has not been reported in the literature in individuals affected with TMEM43-related conditions. This variant is not present in population databases (gnomAD no frequency). This sequence change replaces tyrosine, which is neutral and polar, with cysteine, which is neutral and slightly polar, at codon 5 of the TMEM43 protein (p.Tyr5Cys).

Ambry Genetics
Classification: Uncertain significance for Cardiovascular phenotype. Last evaluated: 2022-07-23. Review status: criteria provided, single submitter. Criteria: Ambry Variant Classification Scheme 2023. Collection method: clinical testing. Allele origin: germline.
Comment: The p.Y5C variant (also known as c.14A>G), located in coding exon 2 of the TMEM43 gene, results from an A to G substitution at nucleotide position 14. The tyrosine at codon 5 is replaced by cysteine, an amino acid with highly dissimilar properties. This amino acid position is conserved. In addition, this alteration is predicted to be tolerated by in silico analysis. Since supporting evidence is limited at this time, the clinical significance of this alteration remains unclear.